The following is an entry in ClinVar:

ClinVar aggregate classification (germline): Uncertain significance. Review status: criteria provided, multiple submitters, no conflicts (2 of 4 stars). 5 submissions from 5 submitters: Uncertain significance (5). Last evaluated 2025-03-24.

Conditions:
Megacystis-microcolon-intestinal hypoperistalsis syndrome 2. Identifiers: MedGen C5543476, MONDO:0025708, OMIM 619351.
Aortic aneurysm, familial thoracic 4 (AAT4). Also called: AORTIC ANEURYSM/AORTIC DISSECTION AND PATENT DUCTUS ARTERIOSUS. Identifiers: MedGen C1851504, MONDO:0007568, OMIM 132900.
Visceral myopathy 2. Identifiers: MedGen C5543466, MONDO:0859157, OMIM 619350.
Familial thoracic aortic aneurysm and aortic dissection (TAAD). Also called: Thoracic aortic aneurysms and dissections. Identifiers: Orphanet 91387, MedGen C4707243, MONDO:0019625.

gnomAD v4.1: 12 of 1,614,074 alleles (0.00074%); highest among the groups gnomAD compares: Non-Finnish European, 0.00085%; no homozygotes.

Submissions (5):

Color Diagnostics, LLC DBA Color Health
Classification: Uncertain significance for Familial thoracic aortic aneurysm and aortic dissection. Last evaluated: 2025-03-24. Review status: criteria provided, single submitter. Criteria: ACMG Guidelines, 2015. Collection method: clinical testing. Allele origin: germline.
Comment: This missense variant replaces alanine with glutamic acid at codon 739 of the MYH11 protein. Computational prediction tool is inconclusive regarding the impact of this variant on protein structure and function. To our knowledge, functional studies have not been reported for this variant. This variant has not been reported in individuals affected with MYH11-related disorders in the literature. This variant has not been identified in the general population by the Genome Aggregation Database (gnomAD). The available evidence is insufficient to determine the role of this variant in disease conclusively. Therefore, this variant is classified as a Variant of Uncertain Significance.

Labcorp Genetics (formerly Invitae), Labcorp
Classification: Uncertain significance for Aortic aneurysm, familial thoracic 4. Last evaluated: 2024-05-06. Review status: criteria provided, single submitter. Criteria: Invitae Variant Classification Sherloc (09022015). Collection method: clinical testing. Allele origin: germline.
Comment: This sequence change replaces alanine, which is neutral and non-polar, with glutamic acid, which is acidic and polar, at codon 739 of the MYH11 protein (p.Ala739Glu). This variant is not present in population databases (gnomAD no frequency). This variant has not been reported in the literature in individuals affected with MYH11-related conditions. ClinVar contains an entry for this variant (Variation ID: 924930). Advanced modeling of protein sequence and biophysical properties (such as structural, functional, and spatial information, amino acid conservation, physicochemical variation, residue mobility, and thermodynamic stability) performed at Invitae indicates that this missense variant is not expected to disrupt MYH11 protein function with a negative predictive value of 95%. In summary, the available evidence is currently insufficient to determine the role of this variant in disease. Therefore, it has been classified as a Variant of Uncertain Significance.

Women's Health and Genetics/Laboratory Corporation of America, LabCorp
Classification: Uncertain significance. Last evaluated: 2023-08-24. Review status: criteria provided, single submitter. Criteria: LabCorp Variant Classification Summary - May 2015. Collection method: clinical testing. Allele origin: germline.

All of Us Research Program, National Institutes of Health
Classification: Uncertain significance for Familial thoracic aortic aneurysm and aortic dissection. Last evaluated: 2023-04-27. Review status: criteria provided, single submitter. Criteria: ACMG Guidelines, 2015. Collection method: clinical testing. Allele origin: germline. Inheritance: Autosomal dominant inheritance. Observed: 1 variant allele, 1 heterozygote.
Comment: This missense variant replaces alanine with glutamic acid at codon 739 of the MYH11 protein. Computational prediction is inconclusive regarding the impact of this variant on protein structure and function (internally defined REVEL score threshold 0.5 < inconclusive < 0.7, PMID: 27666373). Splice site prediction tools suggest that this variant may not impact RNA splicing. To our knowledge, functional studies have not been reported for this variant. This variant has not been reported in individuals affected with cardiovascular disorders in the literature. This variant has not been identified in the general population by the Genome Aggregation Database (gnomAD). The available evidence is insufficient to determine the role of this variant in disease conclusively. Therefore, this variant is classified as a Variant of Uncertain Significance.

This study involves interpretation of variants in research participants for the purpose of population health screening. Participant phenotype was not available at the time of variant classification. Additional details can be found in publication PMID: 35346344, PMCID: PMC8962531

Fulgent Genetics
Classification: Uncertain significance for Aortic aneurysm, familial thoracic 4; Visceral myopathy 2; Megacystis-microcolon-intestinal hypoperistalsis syndrome 2. Last evaluated: 2021-07-19. Review status: criteria provided, single submitter. Criteria: ACMG Guidelines, 2015. Collection method: clinical testing. Allele origin: unknown.

NM_002474.3(MYH11):c.2195C>A (p.Ala732Glu)

Gene: MYH11 (myosin heavy chain 11; minus strand). Cytogenetic location: 16p13.11.
Variant type: single nucleotide variant.
Coding change: c.2195C>A on transcript NM_002474.3 (MANE Select); coding-DNA position 2195, C replaced by A.
Protein change: p.Ala732Glu; replaces alanine 732 with glutamic acid.
Molecular consequence: missense variant.
Genome position (GRCh38, 1-based): chr16:15,747,929, G>T on the plus strand (C>A on the coding strand, the complement: MYH11 is on the minus strand). VCF-style: chr16-15747929-G-T. GRCh37 (hg19) VCF-style: chr16-15841786-G-T.
Other names: c.2216C>A, p.Ala739Glu (NM_001040113.2, NM_001040114.2); c.2195C>A, p.Ala732Glu (NM_022844.3); short protein forms A739E, A732E.
Identifiers: ClinVar variation 924930 (VCV000924930.9), dbSNP rs764831521, ClinGen allele CA394867828.
Genomic context (GRCh38, chr16:15,747,929, plus strand): 5'-CTCACCATGAGAATGCAGGCCTGCTTCCCGTCCATGAAGCCTTTGGGGATGGCATTCGCC[G>T]CCAGGATCTCGTAGCTTGAAACACAGAGCAGAAGTCACCCCGGGTACCTCCAGCATCCAT-3'
Protein context (NP_002465.1, residues 722-742): QEFRQRYEIL[Ala732Glu]ANAIPKGFMD